The following is an entry in ClinVar:

ClinVar aggregate classification (germline): Uncertain significance. Review status: criteria provided, multiple submitters, no conflicts (2 of 4 stars). 3 submissions from 3 submitters: Uncertain significance (3). Last evaluated 2025-10-06.

Conditions:
Inborn genetic diseases. Identifiers: MedGen C0950123, MeSH D030342.
Oculodentodigital dysplasia (ODDD). Also called: Oculodentodigital syndrome; ODD SYNDROME. Identifiers: Orphanet 2710, MedGen C0812437, MONDO:0008111, OMIM 164200.

Submissions (3):

Ambry Genetics
Classification: Uncertain significance for Inborn genetic diseases. Last evaluated: 2025-10-06. Review status: criteria provided, single submitter. Criteria: Ambry Variant Classification Scheme 2023. Collection method: clinical testing. Allele origin: germline.
Comment: The c.164A>G (p.N55S) alteration is located in exon 2 (coding exon 1) of the GJA1 gene. This alteration results from an A to G substitution at nucleotide position 164, causing the asparagine (N) at amino acid position 55 to be replaced by a serine (S). This variant was not reported in population-based cohorts in the Genome Aggregation Database (gnomAD). Another variant at the same codon, c.163A>G (p.N55D), has been identified in an individual with features consistent with autosomal dominant oculodentodigital dysplasia (Paznekas, 2009). This amino acid position is highly conserved in available vertebrate species. This missense alteration is located in a region that has a low rate of benign missense variation (Lek, 2016; Firth, 2009). The in silico prediction for this alteration is inconclusive. Based on insufficient or conflicting evidence, the clinical significance of this alteration remains unclear.

3billion
Classification: Uncertain significance for Oculodentodigital dysplasia. Last evaluated: 2024-11-22. Review status: criteria provided, single submitter. Criteria: ACMG Guidelines, 2015. Collection method: clinical testing. Allele origin: germline. Affected: yes.
Comment: The variant is not observed in the gnomAD v4.1.0 dataset. Predicted Consequence/Location: Missense variant. Missense changes are a common disease-causing mechanism. In silico tool predictions suggest damaging effect of the variant on gene or gene product [REVEL: 0.94 (>=0.6, sensitivity 0.68 and specificity 0.92); 3Cnet: 0.99 (>=0.6, sensitivity 0.72 and precision 0.9)]. The same nucleotide change resulting in the same amino acid change has been previously reported to be associated with GJA1 related disorder (PMID: 26633542). However, the evidence of pathogenicity is insufficient at this time. Therefore, this variant is classified as VUS according to the recommendation of ACMG/AMP guideline.

Eurofins Ntd Llc (ga)
Classification: Uncertain significance. Last evaluated: 2018-02-12. Review status: criteria provided, single submitter. Criteria: EGL ClinVar v180209 classification definitions. Collection method: clinical testing. Allele origin: germline. Observed: 1 variant allele, 1 heterozygote.

Literature cited by the submitters: PubMed 19338053 (cited by Ambry Genetics and 3billion); PubMed 26633542 (cited by 3billion and Eurofins Ntd Llc (ga)).

NM_000165.5(GJA1):c.164A>G (p.Asn55Ser)

Gene: GJA1 (gap junction protein alpha 1; plus strand). Cytogenetic location: 6q22.31.
Variant type: single nucleotide variant.
Coding change: c.164A>G on transcript NM_000165.5 (MANE Select); coding-DNA position 164, A replaced by G.
Protein change: p.Asn55Ser; replaces asparagine 55 with serine.
Molecular consequence: missense variant.
Genome position (GRCh38, 1-based): chr6:121,447,011, A>G. VCF-style: chr6-121447011-A-G. GRCh37 (hg19) VCF-style: chr6-121768157-A-G.
Other names: c.164A>G (NM_000165.3); short protein forms N55S.
Identifiers: ClinVar variation 596145 (VCV000596145.7), dbSNP rs1562174023, ClinGen allele CA365558057.
Genomic context (GRCh38, chr6:121,447,011, plus strand): 5'-TGCTGCTGGGGACAGCGGTTGAGTCAGCCTGGGGAGATGAGCAGTCTGCCTTTCGTTGTA[A>G]CACTCAGCAACCTGGTTGTGAAAATGTCTGCTATGACAAGTCTTTCCCAATCTCTCATGT-3'
Protein context (NP_000156.1, residues 45-65): WGDEQSAFRC[Asn55Ser]TQQPGCENVC